The following is an entry in ClinVar:

ClinVar aggregate classification (germline): Uncertain significance. Review status: criteria provided, multiple submitters, no conflicts (2 of 4 stars). 2 submissions from 2 submitters: Uncertain significance (2). Last evaluated 2026-02-05.

gnomAD v4.1: 7 of 1,614,198 alleles (0.00043%); highest among the groups gnomAD compares: Non-Finnish European, 0.00051%; no homozygotes.

Submissions (2):

GeneDx
Classification: Uncertain significance. Last evaluated: 2026-02-05. Review status: criteria provided, single submitter. Criteria: GeneDx Variant Classification Process June 2021. Collection method: clinical testing. Allele origin: germline.
Comment: Not observed at significant frequency in large population cohorts (gnomAD); In silico analysis supports that this missense variant has a deleterious effect on protein structure/function; Has not been previously published as pathogenic or benign to our knowledge; This variant is associated with the following publications: (PMID: 16429158)

Blueprint Genetics
Classification: Uncertain significance. Last evaluated: 2020-01-31. Review status: criteria provided, single submitter. Criteria: ACMG Guidelines, 2015. Collection method: clinical testing. Allele origin: germline.

NM_003680.4(YARS1):c.1122A>T (p.Lys374Asn)

Gene: YARS1 (tyrosyl-tRNA synthetase 1; minus strand). Cytogenetic location: 1p35.1.
Variant type: single nucleotide variant.
Coding change: c.1122A>T on transcript NM_003680.4 (MANE Select); coding-DNA position 1122, A replaced by T.
Protein change: p.Lys374Asn; replaces lysine 374 with asparagine.
Molecular consequence: missense variant.
Genome position (GRCh38, 1-based): chr1:32,781,066, T>A on the plus strand (A>T on the coding strand, the complement: YARS1 is on the minus strand). VCF-style: chr1-32781066-T-A. GRCh37 (hg19) VCF-style: chr1-33246667-T-A.
Other names: short protein forms K374N.
Identifiers: ClinVar variation 4965555 (VCV004965555.2).